The following is an entry in ClinVar:

NM_005188.4(CBL):c.1710C>T (p.Gly570=)

Gene: CBL (Cbl proto-oncogene; plus strand). Cytogenetic location: 11q23.3.
Variant type: single nucleotide variant.
Coding change: c.1710C>T on transcript NM_005188.4 (MANE Select); coding-DNA position 1710, C replaced by T.
Protein change: p.Gly570=; no amino-acid change (glycine 570 retained).
Molecular consequence: synonymous variant.
Genome position (GRCh38, 1-based): chr11:119,285,335, C>T. VCF-style: chr11-119285335-C-T. GRCh37 (hg19) VCF-style: chr11-119156045-C-T.
Identifiers: ClinVar variation 2042710 (VCV002042710.5), dbSNP rs751529479, ClinGen allele CA477375173.

ClinVar aggregate classification (germline): Uncertain significance (1 of 4 stars; one submission).

Conditions:
RASopathy. Also called: Noonan spectrum disorder; rasopathies. Identifiers: Orphanet 536391, MedGen C5555857, MONDO:0021060.

Allele frequency attached by ClinVar (database versions not stated): TOPMed 0.00002.
gnomAD v4.1: 4 of 1,614,140 alleles (0.00025%); highest among the groups gnomAD compares: African/African-American, 0.0013%; no homozygotes.

Submissions (2):

Labcorp Genetics (formerly Invitae), Labcorp
Classification: Uncertain significance for RASopathy. Last evaluated: 2025-01-28. Review status: criteria provided, single submitter. Criteria: Invitae Variant Classification Sherloc (09022015). Collection method: clinical testing. Allele origin: germline.
Comment: This sequence change affects codon 570 of the CBL mRNA. It is a 'silent' change, meaning that it does not change the encoded amino acid sequence of the CBL protein. This variant is not present in population databases (gnomAD no frequency). This variant has not been reported in the literature in individuals affected with CBL-related conditions. ClinVar contains an entry for this variant (Variation ID: 2042710). Algorithms developed to predict the effect of sequence changes on RNA splicing suggest that this variant may create or strengthen a splice site. In summary, the available evidence is currently insufficient to determine the role of this variant in disease. Therefore, it has been classified as a Variant of Uncertain Significance.

Dr. Peter K. Rogan Lab, Western University
No classification provided (evidence only). Condition: Uterine corpus endometrial carcinoma. Review status: no classification provided. Collection method: in vitro. Allele origin: not applicable. Functional consequence: retained intron. Not counted in ClinVar's aggregate classification.